The following is an entry in ClinVar:

NM_001170629.2(CHD8):c.5110A>G (p.Lys1704Glu)

Gene: CHD8 (chromodomain helicase DNA binding protein 8; minus strand). Cytogenetic location: 14q11.2.
Variant type: single nucleotide variant.
Coding change: c.5110A>G on transcript NM_001170629.2 (MANE Select); coding-DNA position 5110, A replaced by G.
Protein change: p.Lys1704Glu; replaces lysine 1704 with glutamic acid.
Molecular consequence: missense variant.
Genome position (GRCh38, 1-based): chr14:21,395,834, T>C on the plus strand (A>G on the coding strand, the complement: CHD8 is on the minus strand). VCF-style: chr14-21395834-T-C. GRCh37 (hg19) VCF-style: chr14-21863993-T-C.
Other names: c.4273A>G, p.Lys1425Glu (NM_020920.4); short protein forms K1425E, K1704E.
Identifiers: ClinVar variation 4540296 (VCV004540296.2).
Genomic context (GRCh38, chr14:21,395,834, plus strand): 5'-TTTAGTAATAGAGAAAAGTGAGACTCAAATGAGAATTCCTTACCTCATCATCTTGGTCCT[T>C]TGGGGGACCTTGGAGTGGTTTATATTCAGGATCTTCACAATCTTTATCAAAGTCAACCCT-3'
Protein context (NP_001164100.1, residues 1694-1714): PEYKPLQGPP[Lys1704Glu]DQDDEGDPLM

ClinVar aggregate classification (germline): Uncertain significance (1 of 4 stars; one submission).

Submission:

GeneDx
Classification: Uncertain significance. Last evaluated: 2026-06-11. Review status: criteria provided, single submitter. Criteria: GeneDx Variant Classification Process June 2021. Collection method: clinical testing. Allele origin: germline.
Comment: Not observed at significant frequency in large population cohorts (gnomAD); In silico analysis suggests that this missense variant does not alter protein structure/function; Has not been previously published as pathogenic or benign to our knowledge